The following is an entry in ClinVar:

NM_007052.5(NOX1):c.1133G>A (p.Arg378Lys)

Gene: NOX1 (NADPH oxidase 1; minus strand). Cytogenetic location: Xq22.1.
Variant type: single nucleotide variant.
Coding change: c.1133G>A on transcript NM_007052.5 (MANE Select); coding-DNA position 1133, G replaced by A.
Protein change: p.Arg378Lys; replaces arginine 378 with lysine.
Molecular consequence: missense variant.
Genome position (GRCh38, 1-based): chrX:100,850,151, C>T on the plus strand (G>A on the coding strand, the complement: NOX1 is on the minus strand). VCF-style: chrX-100850151-C-T. GRCh37 (hg19) VCF-style: chrX-100105140-C-T.
Other names: NC_000023.10:g.100105140C>T; c.1022G>A, p.Arg341Lys (NM_001271815.2); c.1133G>A, p.Arg378Lys (NM_013955.3); short protein forms R378K, R341K.
Identifiers: ClinVar variation 791381 (VCV000791381.7), dbSNP rs35404864, ClinGen allele CA10470515.

ClinVar aggregate classification (germline): Benign. Review status: criteria provided, multiple submitters, no conflicts (2 of 4 stars). 3 submissions from 3 submitters: Benign (2). 1 of the submissions does not count toward it. Last evaluated 2018-08-05.

Conditions:
NOX1-related disorder. Also called: NOX1-related condition.

Allele frequency attached by ClinVar (database versions not stated): ExAC 0.00894; ESP Exome Variant Server 0.02726; 1000 Genomes Project 30x 0.02893; gnomAD exomes 0.00257 and 0.00702; gnomAD 0.02490 and 0.02327; TOPMed 0.02705; 1000 Genomes Project 0.02570.
gnomAD v4.1: 5,580 of 1,200,942 alleles (0.46%); highest among the groups gnomAD compares: African/African-American, 8%; 145 homozygotes.

Submissions (5):

Labcorp Genetics (formerly Invitae), Labcorp
Classification: Benign. Last evaluated: 2018-08-05. Review status: criteria provided, single submitter. Criteria: Invitae Variant Classification Sherloc (09022015). Collection method: clinical testing. Allele origin: germline.

Breakthrough Genomics
Classification: Benign. Review status: criteria provided, single submitter. Criteria: ACMG Guidelines, 2015. Collection method: not provided. Allele origin: germline. Inheritance: Unknown mechanism. Affected: yes.

PreventionGenetics, part of Exact Sciences
Classification: Benign for NOX1-related condition. Last evaluated: 2019-06-11. Review status: no assertion criteria provided. Collection method: clinical testing. Allele origin: germline. Not counted in ClinVar's aggregate classification.
Comment: This variant is classified as benign based on ACMG/AMP sequence variant interpretation guidelines (Richards et al. 2015 PMID: 25741868, with internal and published modifications).

Dr. Peter K. Rogan Lab, Western University
No classification provided (evidence only). Condition: Colon adenocarcinoma. Review status: no classification provided. Collection method: in vitro. Allele origin: not applicable. Functional consequence: retained intron. Not counted in ClinVar's aggregate classification.

Dr. Peter K. Rogan Lab, Western University
No classification provided (evidence only). Condition: Cholangiocarcinoma. Review status: no classification provided. Collection method: in vitro. Allele origin: not applicable. Functional consequence: retained intron. Not counted in ClinVar's aggregate classification.